The following is an entry in ClinVar:

NM_004609.4(TCF15):c.61C>T (p.Leu21=)

Gene: TCF15 (transcription factor 15; minus strand). Cytogenetic location: 20p13.
Variant type: single nucleotide variant.
Coding change: c.61C>T on transcript NM_004609.4 (MANE Select); coding-DNA position 61, C replaced by T.
Protein change: p.Leu21=; no amino-acid change (leucine 21 retained).
Molecular consequence: synonymous variant.
Genome position (GRCh38, 1-based): chr20:610,177, G>A on the plus strand (C>T on the coding strand, the complement: TCF15 is on the minus strand). VCF-style: chr20-610177-G-A. GRCh37 (hg19) VCF-style: chr20-590821-G-A.
Identifiers: ClinVar variation 4872827 (VCV004872827.2).
Genomic context (GRCh38, chr20:610,177, plus strand): 5'-AGCAGCCGAACGACTGGTCCGACGCGTCGCTCTCGCTGCGGTTCTCCTCGTCCTCGCTCA[G>A]CAGCCGCACGTCCGGGTACAGCACGTGCGCGCCGACGGGCCGCAGCAGCGCGAACGCCAT-3'
Protein context (NP_004600.3, residues 11-31): AHVLYPDVRL[Leu21=]SEDEENRSES

ClinVar aggregate classification (germline): Likely benign (1 of 4 stars; one submission).

Submission:

CeGaT Center for Human Genetics Tuebingen
Classification: Likely benign. Last evaluated: 2026-05-01. Review status: criteria provided, single submitter. Criteria: CeGaT Center For Human Genetics Tuebingen Variant Classification Criteria Version 2. Collection method: clinical testing. Allele origin: germline. Affected: yes. Observed: 1 variant allele.
Comment: TCF15: PM2:Supporting, BP4, BP7